The following is an entry in ClinVar:

ClinVar aggregate classification (germline): Uncertain significance. Review status: criteria provided, multiple submitters, no conflicts (2 of 4 stars). 3 submissions from 3 submitters: Uncertain significance (3). Last evaluated 2026-04-14.

Conditions:
Inborn genetic diseases. Identifiers: MedGen C0950123, MeSH D030342.
Low phospholipid associated cholelithiasis (GBD1). Also called: Gallstone cholecystitis; Gallbladder disease 1. Identifiers: Orphanet 69663, MedGen C2609268, MONDO:0010939, OMIM 600803.
Familial intrahepatic cholestasis. Identifiers: Orphanet 284385, MedGen CN296401, MONDO:0017290.
ABCB4-related disorder. Also called: ABCB4-related disorders; ABCB4-related condition.

Allele frequency attached by ClinVar (database versions not stated): ExAC 0.00002; gnomAD exomes 0.00002; ESP Exome Variant Server 0.00015.
gnomAD v4.1: 44 of 1,613,814 alleles (0.0027%); highest among the groups gnomAD compares: African/African-American, 0.008%; no homozygotes.

Submissions (3):

Genomenon, Inc
Classification: Uncertain significance for Familial intrahepatic cholestasis; Low phospholipid associated cholelithiasis. Last evaluated: 2026-04-14. Review status: criteria provided, single submitter. Criteria: Genomenon Sequence Variant Interpretation Standards - Updated. Collection method: curation. Allele origin: germline. Affected: no.
Comment: ABCB4 p.Thr424Met (c.1271C>T) is a missense variant that changes the amino acid at residue 424 from Threonine to Methionine. This variant has been reported in the published literature (PMID:38374565). It is absent or not present at a significant frequency in gnomAD. In conclusion, we classify ABCB4 p.Thr424Met (c.1271C>T) as a variant of uncertain significance.

PreventionGenetics, part of Exact Sciences
Classification: Uncertain significance for ABCB4-related condition. Last evaluated: 2026-01-21. Review status: criteria provided, single submitter. Criteria: ACMG Guidelines, 2015. Collection method: clinical testing. Allele origin: germline.
Comment: The ABCB4 c.1271C>T variant is predicted to result in the amino acid substitution p.Thr424Met. This variant has been reported in the heterozygous state in an individual with cholestasis (Hegarty et al. 2024 PubMed ID: 38374565). This variant is reported in 0.024% of alleles in individuals of African descent in gnomAD. At this time, the clinical significance of this variant is uncertain due to the absence of conclusive functional and genetic evidence.

Ambry Genetics
Classification: Uncertain significance for Inborn genetic diseases. Last evaluated: 2025-09-27. Review status: criteria provided, single submitter. Criteria: Ambry Variant Classification Scheme 2023. Collection method: clinical testing. Allele origin: germline.

Literature cited by the submitters: PubMed 38374565 (cited by Genomenon, Inc).

NM_000443.4(ABCB4):c.1271C>T (p.Thr424Met)

Gene: ABCB4 (ATP binding cassette subfamily B member 4; minus strand). Cytogenetic location: 7q21.12.
Variant type: single nucleotide variant.
Coding change: c.1271C>T on transcript NM_000443.4 (MANE Select); coding-DNA position 1271, C replaced by T.
Protein change: p.Thr424Met; replaces threonine 424 with methionine.
Molecular consequence: missense variant.
Genome position (GRCh38, 1-based): chr7:87,443,404, G>A on the plus strand (C>T on the coding strand, the complement: ABCB4 is on the minus strand). VCF-style: chr7-87443404-G-A. GRCh37 (hg19) VCF-style: chr7-87072720-G-A.
Other names: c.1271C>T, p.Thr424Met (NM_018849.3, NM_018850.3); short protein forms T424M.
Identifiers: ClinVar variation 2525941 (VCV002525941.5), dbSNP rs145811290, ClinGen allele CA4327334.